The following is an entry in ClinVar:

ClinVar aggregate classification (germline): Uncertain significance (1 of 4 stars; one submission).

Conditions:
Deficiency of adenosine deaminase 2. Also called: Adenosine Deaminase 2 Deficiency; VASCULITIS, AUTOINFLAMMATION, IMMUNODEFICIENCY, AND HEMATOLOGIC DEFECTS SYNDROME; Polyarteritis nodosa, childhoood-onset. Identifiers: Orphanet 404553, MedGen C3887654, MONDO:0014306, OMIM 615688, MONDO:0100317.

Allele frequency attached by ClinVar (database versions not stated): gnomAD exomes below 0.00001.
gnomAD v4.1: 1 of 1,613,036 alleles (0.000062%); highest among the groups gnomAD compares: Non-Finnish European, 0.000085%; no homozygotes.

Submission:

Labcorp Genetics (formerly Invitae), Labcorp
Classification: Uncertain significance for Deficiency of adenosine deaminase 2. Last evaluated: 2022-07-30. Review status: criteria provided, single submitter. Criteria: Invitae Variant Classification Sherloc (09022015). Collection method: clinical testing. Allele origin: germline.
Comment: In summary, the available evidence is currently insufficient to determine the role of this variant in disease. Therefore, it has been classified as a Variant of Uncertain Significance. Algorithms developed to predict the effect of missense changes on protein structure and function output the following: SIFT: "Tolerated"; PolyPhen-2: "Benign"; Align-GVGD: "Class C0". The valine amino acid residue is found in multiple mammalian species, which suggests that this missense change does not adversely affect protein function. This variant has not been reported in the literature in individuals affected with ADA2-related conditions. This variant is not present in population databases (gnomAD no frequency). This sequence change replaces isoleucine, which is neutral and non-polar, with valine, which is neutral and non-polar, at codon 505 of the ADA2 protein (p.Ile505Val).

NM_001282225.2(ADA2):c.1513A>G (p.Ile505Val)

Gene: ADA2 (adenosine deaminase 2; minus strand). Cytogenetic location: 22q11.1.
Variant type: single nucleotide variant.
Coding change: c.1513A>G on transcript NM_001282225.2 (MANE Select); coding-DNA position 1513, A replaced by G.
Protein change: p.Ile505Val; replaces isoleucine 505 with valine.
Molecular consequence: missense variant.
Genome position (GRCh38, 1-based): chr22:17,181,506, T>C on the plus strand (A>G on the coding strand, the complement: ADA2 is on the minus strand). VCF-style: chr22-17181506-T-C. GRCh37 (hg19) VCF-style: chr22-17662396-T-C.
Other names: c.1513A>G, p.Ile505Val (NM_001282226.2); c.1387A>G, p.Ile463Val (NM_001282227.2, NM_001282228.2); c.1153A>G, p.Ile385Val (NM_001282229.2); c.790A>G, p.Ile264Val (NM_177405.3); short protein forms I385V, I264V, I463V, I505V.
Identifiers: ClinVar variation 1905176 (VCV001905176.4), dbSNP rs2061968218, ClinGen allele CA410231421.
Genomic context (GRCh38, chr22:17,181,506, plus strand): 5'-CAAGAAGACAGCTTGTAGAGGGCTGGCTAGCTTCTCCTCACTTTGTAGCCACATCTGCTA[T>C]GAACTTATCCCATCTCTTCTTCCAGATTTCCATGAAAGTATTTTTCTCACTCTCCAACAG-3'
Protein context (NP_001269154.1, residues 495-511): EIWKKRWDKF[Ile505Val]ADVATK